The following is an entry in ClinVar:

NM_032608.7(MYO18B):c.5090C>T (p.Ala1697Val)

Gene: MYO18B (myosin XVIIIB; plus strand). Cytogenetic location: 22q12.1.
Variant type: single nucleotide variant.
Coding change: c.5090C>T on transcript NM_032608.7 (MANE Select); coding-DNA position 5090, C replaced by T.
Protein change: p.Ala1697Val; replaces alanine 1697 with valine.
Molecular consequence: missense variant.
Genome position (GRCh38, 1-based): chr22:25,903,773, C>T. VCF-style: chr22-25903773-C-T. GRCh37 (hg19) VCF-style: chr22-26299740-C-T.
Other names: c.5093C>T, p.Ala1698Val (NM_001318245.2); short protein forms A1697V, A1698V.
Identifiers: ClinVar variation 1414458 (VCV001414458.5), dbSNP rs1158640668, ClinGen allele CA411013597.

ClinVar aggregate classification (germline): Uncertain significance (1 of 4 stars; one submission).

Allele frequency attached by ClinVar (database versions not stated): TOPMed below 0.00001; gnomAD 0.00001; gnomAD exomes 0.00001.
gnomAD v4.1: 23 of 1,603,940 alleles (0.0014%); highest among the groups gnomAD compares: Admixed American, 0.029%; no homozygotes.

Submission:

Labcorp Genetics (formerly Invitae), Labcorp
Classification: Uncertain significance. Last evaluated: 2024-10-18. Review status: criteria provided, single submitter. Criteria: Invitae Variant Classification Sherloc (09022015). Collection method: clinical testing. Allele origin: germline.
Comment: This sequence change replaces alanine, which is neutral and non-polar, with valine, which is neutral and non-polar, at codon 1697 of the MYO18B protein (p.Ala1697Val). This variant is present in population databases (no rsID available, gnomAD 0.009%). This variant has not been reported in the literature in individuals affected with MYO18B-related conditions. ClinVar contains an entry for this variant (Variation ID: 1414458). An algorithm developed to predict the effect of missense changes on protein structure and function (PolyPhen-2) suggests that this variant¬†is likely to be tolerated. In summary, the available evidence is currently insufficient to determine the role of this variant in disease. Therefore, it has been classified as a Variant of Uncertain Significance.